The following is an entry in ClinVar:

NM_001363711.2(DUOX2):c.959T>C (p.Leu320Pro)

Gene: DUOX2 (dual oxidase 2; minus strand). Cytogenetic location: 15q21.1.
Variant type: single nucleotide variant.
Coding change: c.959T>C on transcript NM_001363711.2 (MANE Select); coding-DNA position 959, T replaced by C.
Protein change: p.Leu320Pro; replaces leucine 320 with proline.
Molecular consequence: missense variant.
Genome position (GRCh38, 1-based): chr15:45,110,509, A>G on the plus strand (T>C on the coding strand, the complement: DUOX2 is on the minus strand). VCF-style: chr15-45110509-A-G. GRCh37 (hg19) VCF-style: chr15-45402707-A-G.
Other names: c.959T>C, p.Leu320Pro (NM_014080.5); short protein forms L320P.
Identifiers: ClinVar variation 887080 (VCV000887080.7), dbSNP rs544236153, ClinGen allele CA7538799.

ClinVar aggregate classification (germline): Conflicting classifications of pathogenicity. Review status: criteria provided, conflicting classifications (1 of 4 stars). 4 submissions from 4 submitters: Likely pathogenic (3); Uncertain significance (1). Last evaluated 2025-09-17.

Conditions:
Thyroid dyshormonogenesis 6 (TDH6). Also called: THYROID HORMONOGENESIS, GENETIC DEFECT IN, 6; Genetic transient congenital hypothyroidism; HYPOTHYROIDISM, CONGENITAL, DUE TO DYSHORMONOGENESIS, 6. Identifiers: Orphanet 226316, Orphanet 95716, MedGen C1846632, MONDO:0011792, OMIM 607200.

Allele frequency attached by ClinVar (database versions not stated): gnomAD exomes 0.00001 and 0.00003; ExAC 0.00003; gnomAD 0.00003; TOPMed 0.00003; 1000 Genomes Project 30x 0.00016; 1000 Genomes Project 0.00020.
gnomAD v4.1: 13 of 1,614,160 alleles (0.00081%); highest among the groups gnomAD compares: East Asian, 0.029%; no homozygotes.

Submissions (4):

First Genomix Gene Laboratory, Genetic Diagnostics Department
Classification: Likely pathogenic for Thyroid dyshormonogenesis 6. Last evaluated: 2025-09-17. Review status: criteria provided, single submitter. Criteria: ACMG Guidelines, 2015. Collection method: clinical testing. Allele origin: germline. Inheritance: Autosomal recessive inheritance. Affected: no. Observed: 1 variant allele.

Fulgent Genetics
Classification: Likely pathogenic for Thyroid dyshormonogenesis 6. Last evaluated: 2024-05-01. Review status: criteria provided, single submitter. Criteria: ACMG Guidelines, 2015. Collection method: clinical testing. Allele origin: germline.

Illumina Laboratory Services, Illumina
Classification: Uncertain significance for Thyroid dyshormonogenesis 6. Last evaluated: 2018-01-13. Review status: criteria provided, single submitter. Criteria: ICSL Variant Classification Criteria 13 December 2019. Collection method: clinical testing. Allele origin: germline.

Juno Genomics, Hangzhou Juno Genomics, Inc
Classification: Likely pathogenic for Thyroid dyshormonogenesis 6. Review status: criteria provided, single submitter. Criteria: ACMG Guidelines, 2015. Collection method: clinical testing. Allele origin: germline. Affected: yes.
Comment: Absent from controls (or at extremely low frequency if recessive) in Genome Aggregation Database, Exome Sequencing Project, 1000 Genomes Project, or Exome Aggregation Consortium.;For recessive disorders, detected in trans with a pathogenic variant.;Patient's phenotype or family history is highly specific for a disease with a single genetic etiology.